The following is an entry in ClinVar:

NM_001369.3(DNAH5):c.3834+194A>G

Genes: DNAH5 (dynein axonemal heavy chain 5; minus strand), DNAH5-AS1 (DNAH5 antisense RNA 1; plus strand). Cytogenetic location: 5p15.2.
Variant type: single nucleotide variant.
Coding change: c.3834+194A>G on transcript NM_001369.3 (MANE Select); 194 bases into the intron after coding-DNA position 3834, A replaced by G.
Molecular consequence: intron variant.
Genome position (GRCh38, 1-based): chr5:13,870,573, T>C on the plus strand (A>G on the coding strand, the complement: DNAH5 is on the minus strand). VCF-style: chr5-13870573-T-C. GRCh37 (hg19) VCF-style: chr5-13870682-T-C.
Identifiers: ClinVar variation 1706663 (VCV001706663.2), dbSNP rs190678456, ClinGen allele CA113981032.

ClinVar aggregate classification (germline): Likely benign (1 of 4 stars; one submission).

Allele frequency attached by ClinVar (database versions not stated): TOPMed 0.00526; 1000 Genomes Project 0.00539; 1000 Genomes Project 30x 0.00562; gnomAD 0.00609.
gnomAD v4.1: 921 of 152,246 alleles (0.6%); highest among the groups gnomAD compares: South Asian, 1.6%; 5 homozygotes.

Submission:

GeneDx
Classification: Likely benign. Last evaluated: 2021-05-25. Review status: criteria provided, single submitter. Criteria: GeneDx Variant Classification Process June 2021. Collection method: clinical testing. Allele origin: germline. Affected: yes.
Comment: See Variant Classification Assertion Criteria.